The following is an entry in ClinVar:

NM_003640.5(ELP1):c.3236C>T (p.Ala1079Val)

Gene: ELP1 (elongator acetyltransferase complex subunit 1; minus strand). Cytogenetic location: 9q31.3.
Variant type: single nucleotide variant.
Coding change: c.3236C>T on transcript NM_003640.5 (MANE Select); coding-DNA position 3236, C replaced by T.
Protein change: p.Ala1079Val; replaces alanine 1079 with valine.
Molecular consequence: missense variant.
Genome position (GRCh38, 1-based): chr9:108,882,174, G>A on the plus strand (C>T on the coding strand, the complement: ELP1 is on the minus strand). VCF-style: chr9-108882174-G-A. GRCh37 (hg19) VCF-style: chr9-111644454-G-A.
Other names: c.2894C>T, p.Ala965Val (NM_001318360.2); c.2189C>T, p.Ala730Val (NM_001330749.2); short protein forms A965V, A730V, A1079V.
Identifiers: ClinVar variation 965278 (VCV000965278.4), dbSNP rs752344797, ClinGen allele CA5174367.
Genomic context (GRCh38, chr9:108,882,174, plus strand): 5'-AAGATTCTTACCAGCCTCAAAGCTTCTTCCCAGGCAGCTCCTTCTAACAGCAAGAGCACA[G>A]CTTCTTCATAATCCTGACAAGGGAACAGGAAGAAGACAACAAGTGAAGAGAGCATGTCAG-3'
Protein context (NP_003631.2, residues 1069-1089): LEECAQDYEE[Ala1079Val]VLLLLEGAAW

ClinVar aggregate classification (germline): Uncertain significance. Review status: criteria provided, single submitter (1 of 4 stars). 2 submissions from 2 submitters: Uncertain significance (1). 1 of the submissions does not count toward it. Last evaluated 2022-04-07.

Conditions:
Familial dysautonomia. Also called: HSAN III; FD. Identifiers: Orphanet 1764, MedGen C0013364, MONDO:0009131, OMIM 223900. Disease mechanism: loss of function.

Allele frequency attached by ClinVar (database versions not stated): gnomAD exomes below 0.00001 and 0.00001; TOPMed below 0.00001; ExAC 0.00002.
gnomAD v4.1: 3 of 1,613,196 alleles (0.00019%); highest among the groups gnomAD compares: Admixed American, 0.005%; no homozygotes.

Submissions (2):

Labcorp Genetics (formerly Invitae), Labcorp
Classification: Uncertain significance. Last evaluated: 2022-04-07. Review status: criteria provided, single submitter. Criteria: Invitae Variant Classification Sherloc (09022015). Collection method: clinical testing. Allele origin: germline.
Comment: This sequence change replaces alanine, which is neutral and non-polar, with valine, which is neutral and non-polar, at codon 1079 of the ELP1 protein (p.Ala1079Val). This variant is present in population databases (rs752344797, gnomAD 0.006%). This variant has not been reported in the literature in individuals affected with ELP1-related conditions. ClinVar contains an entry for this variant (Variation ID: 965278). Algorithms developed to predict the effect of missense changes on protein structure and function are either unavailable or do not agree on the potential impact of this missense change (SIFT: "Tolerated"; PolyPhen-2: "Probably Damaging"; Align-GVGD: "Class C0"). In summary, the available evidence is currently insufficient to determine the role of this variant in disease. Therefore, it has been classified as a Variant of Uncertain Significance.

Natera, Inc.
Classification: Uncertain significance for Familial dysautonomia. Last evaluated: 2020-04-14. Review status: no assertion criteria provided. Collection method: clinical testing. Allele origin: germline. Not counted in ClinVar's aggregate classification.